The following is an entry in ClinVar:

NM_000152.5(GAA):c.1256A>G (p.Asp419Gly)

Gene: GAA (alpha glucosidase; plus strand). Cytogenetic location: 17q25.3.
Variant type: single nucleotide variant.
Coding change: c.1256A>G on transcript NM_000152.5 (MANE Select); coding-DNA position 1256, A replaced by G.
Protein change: p.Asp419Gly; replaces aspartic acid 419 with glycine.
Molecular consequence: missense variant.
Genome position (GRCh38, 1-based): chr17:80,108,758, A>G. VCF-style: chr17-80108758-A-G. GRCh37 (hg19) VCF-style: chr17-78082557-A-G.
Other names: c.1256A>G, p.Asp419Gly (NM_001079803.3, NM_001079804.3); short protein forms D419G.
Identifiers: ClinVar variation 1428651 (VCV001428651.7), dbSNP rs1397577545, ClinGen allele CA401365292.

ClinVar aggregate classification (germline): Uncertain significance (1 of 4 stars; one submission).

Conditions:
Glycogen storage disease, type II (IOPD). Also called: Aglucosidase alfa; Deficiency of alpha-glucosidase; Deficiency of lysosomal alpha-glucosidase; CARDIOMEGALIA GLYCOGENICA DIFFUSA; Glucosidase acid-1,4-alpha deficiency; Pompe Disease. Identifiers: Orphanet 365, MedGen C0017921, MONDO:0009290, OMIM 232300.

Allele frequency attached by ClinVar (database versions not stated): gnomAD exomes below 0.00001.

Submission:

Labcorp Genetics (formerly Invitae), Labcorp
Classification: Uncertain significance for Glycogen storage disease, type II. Last evaluated: 2024-03-01. Review status: criteria provided, single submitter. Criteria: Invitae Variant Classification Sherloc (09022015). Collection method: clinical testing. Allele origin: germline.
Comment: This sequence change replaces aspartic acid, which is acidic and polar, with glycine, which is neutral and non-polar, at codon 419 of the GAA protein (p.Asp419Gly). This variant is present in population databases (no rsID available, gnomAD 0.006%). This variant has not been reported in the literature in individuals affected with GAA-related conditions. ClinVar contains an entry for this variant (Variation ID: 1428651). Advanced modeling of protein sequence and biophysical properties (such as structural, functional, and spatial information, amino acid conservation, physicochemical variation, residue mobility, and thermodynamic stability) performed at Invitae indicates that this missense variant is not expected to disrupt GAA protein function with a negative predictive value of 95%. In summary, the available evidence is currently insufficient to determine the role of this variant in disease. Therefore, it has been classified as a Variant of Uncertain Significance.